The following is an entry in ClinVar:

ClinVar aggregate classification (germline): Benign/Likely benign. Review status: criteria provided, multiple submitters, no conflicts (2 of 4 stars). 3 submissions from 3 submitters: Benign (1); Likely benign (1). 1 of the submissions does not count toward it. Last evaluated 2026-08-01.

Conditions:
EPRS1-related disorder. Also called: EPRS1-related condition.

Allele frequency attached by ClinVar (database versions not stated): ExAC 0.00084; 1000 Genomes Project 0.00220; 1000 Genomes Project 30x 0.00265.
gnomAD v4.1: 1,004 of 1,614,052 alleles (0.062%); highest among the groups gnomAD compares: Admixed American, 0.82%; 9 homozygotes.

Submissions (3):

CeGaT Center for Human Genetics Tuebingen
Classification: Likely benign. Last evaluated: 2026-08-01. Review status: criteria provided, single submitter. Criteria: CeGaT Center For Human Genetics Tuebingen Variant Classification Criteria Version 2. Collection method: clinical testing. Allele origin: germline. Affected: yes. Observed: 2 variant alleles.
Comment: EPRS1: BP4, BS2

Labcorp Genetics (formerly Invitae), Labcorp
Classification: Benign. Last evaluated: 2026-01-15. Review status: criteria provided, single submitter. Criteria: Invitae Variant Classification Sherloc (09022015). Collection method: clinical testing. Allele origin: germline.

PreventionGenetics, part of Exact Sciences
Classification: Likely benign for EPRS1-related condition. Last evaluated: 2019-02-27. Review status: no assertion criteria provided. Collection method: clinical testing. Allele origin: germline. Not counted in ClinVar's aggregate classification.
Comment: This variant is classified as likely benign based on ACMG/AMP sequence variant interpretation guidelines (Richards et al. 2015 PMID: 25741868, with internal and published modifications).

NM_004446.3(EPRS1):c.2991C>G (p.Leu997=)

Gene: EPRS1 (glutamyl-prolyl-tRNA synthetase 1; minus strand). Cytogenetic location: 1q41.
Variant type: single nucleotide variant.
Coding change: c.2991C>G on transcript NM_004446.3 (MANE Select); coding-DNA position 2991, C replaced by G.
Protein change: p.Leu997=; no amino-acid change (leucine 997 retained).
Molecular consequence: synonymous variant.
Genome position (GRCh38, 1-based): chr1:219,987,189, G>C on the plus strand (C>G on the coding strand, the complement: EPRS1 is on the minus strand). VCF-style: chr1-219987189-G-C. GRCh37 (hg19) VCF-style: chr1-220160531-G-C.
Other names: c.2991C>G (NM_004446.2).
Identifiers: ClinVar variation 1169119 (VCV001169119.13), dbSNP rs192901402, ClinGen allele CA1399838.